The following is an entry in ClinVar:

NM_022132.5(MCCC2):c.281G>T (p.Gly94Val)

Gene: MCCC2 (methylcrotonyl-CoA carboxylase subunit 2; plus strand). Cytogenetic location: 5q13.2.
Variant type: single nucleotide variant.
Coding change: c.281G>T on transcript NM_022132.5 (MANE Select); coding-DNA position 281, G replaced by T.
Protein change: p.Gly94Val; replaces glycine 94 with valine.
Molecular consequence: missense variant.
Genome position (GRCh38, 1-based): chr5:71,596,364, G>T. VCF-style: chr5-71596364-G-T. GRCh37 (hg19) VCF-style: chr5-70892191-G-T.
Other names: c.281G>T, p.Gly94Val (NM_001363147.1); short protein forms G94V.
Identifiers: ClinVar variation 3124203 (VCV003124203.1), dbSNP rs1322722550, ClinGen allele CA360006442.

ClinVar aggregate classification (germline): Uncertain significance (1 of 4 stars; one submission).

Conditions:
Inborn genetic diseases. Identifiers: MedGen C0950123, MeSH D030342.

Submission:

Ambry Genetics
Classification: Uncertain significance for Inborn genetic diseases. Last evaluated: 2024-02-20. Review status: criteria provided, single submitter. Criteria: Ambry Variant Classification Scheme 2023. Collection method: clinical testing. Allele origin: germline.
Comment: Occurs in the last base pair of the exon Based on insufficient or conflicting evidence, the clinical significance of this alteration remains unclear.